The following is an entry in ClinVar:

ClinVar aggregate classification (germline): Uncertain significance (1 of 4 stars; one submission).

Submission:

Labcorp Genetics (formerly Invitae), Labcorp
Classification: Uncertain significance. Last evaluated: 2019-11-11. Review status: criteria provided, single submitter. Criteria: Invitae Variant Classification Sherloc (09022015). Collection method: clinical testing. Allele origin: germline.
Comment: In summary, the available evidence is currently insufficient to determine the role of this variant in disease. Therefore, it has been classified as a Variant of Uncertain Significance. Algorithms developed to predict the effect of missense changes on protein structure and function are either unavailable or do not agree on the potential impact of this missense change (SIFT: "Deleterious"; PolyPhen-2: "Possibly Damaging"; Align-GVGD: "Class C0"). This variant has not been reported in the literature in individuals with MSH3-related conditions. This variant is not present in population databases (ExAC no frequency). This sequence change replaces alanine with threonine at codon 910 of the MSH3 protein (p.Ala910Thr). The alanine residue is moderately conserved and there is a small physicochemical difference between alanine and threonine.

NM_002439.5(MSH3):c.2728G>A (p.Ala910Thr)

Gene: MSH3 (mutS homolog 3; plus strand). Cytogenetic location: 5q14.1.
Variant type: single nucleotide variant.
Coding change: c.2728G>A on transcript NM_002439.5 (MANE Select); coding-DNA position 2728, G replaced by A.
Protein change: p.Ala910Thr; replaces alanine 910 with threonine.
Molecular consequence: missense variant.
Genome position (GRCh38, 1-based): chr5:80,813,656, G>A. VCF-style: chr5-80813656-G-A. GRCh37 (hg19) VCF-style: chr5-80109475-G-A.
Other names: short protein forms A910T.
Identifiers: ClinVar variation 948457 (VCV000948457.9), dbSNP rs1745048127, ClinGen allele CA360273956.